The following is an entry in ClinVar:

NM_000545.8(HNF1A):c.637A>T (p.Ile213Phe)

Gene: HNF1A (HNF1 homeobox A; plus strand). Cytogenetic location: 12q24.31.
Variant type: single nucleotide variant.
Coding change: c.637A>T on transcript NM_000545.8 (MANE Select); coding-DNA position 637, A replaced by T.
Protein change: p.Ile213Phe; replaces isoleucine 213 with phenylalanine.
Molecular consequence: missense variant.
Genome position (GRCh38, 1-based): chr12:120,993,630, A>T. VCF-style: chr12-120993630-A-T. GRCh37 (hg19) VCF-style: chr12-121431433-A-T.
Other names: NM_001306179.2:c.637A>T; c.637A>T, p.Ile213Phe (NM_001306179.2, NM_001406915.1); short protein forms I213F.
Identifiers: ClinVar variation 3238985 (VCV003238985.1), dbSNP rs2499995510.
Genomic context (GRCh38, chr12:120,993,630, plus strand): 5'-GAGCTACCAACCAAGAAGGGGCGGAGGAACCGTTTCAAGTGGGGCCCAGCATCCCAGCAG[A>T]TCCTGTTCCAGGCCTATGAGAGGCAGAAGAACCCTAGCAAGGAGGAGCGAGAGACGCTAG-3'
Protein context (NP_000536.6, residues 203-223): RFKWGPASQQ[Ile213Phe]LFQAYERQKN

ClinVar aggregate classification (germline): Likely pathogenic. Review status: reviewed by expert panel (3 of 4 stars). 2 submissions from 2 submitters: Likely pathogenic (1). 1 of the submissions does not count toward it. Last evaluated 2024-06-09.

Conditions:
Monogenic diabetes. Identifiers: Orphanet 183625, MedGen C3888631, MONDO:0015967.
Maturity-onset diabetes of the young type 3. Also called: MODY, type III; MODY type 3. Identifiers: Orphanet 552, MedGen C1838100, MeSH C563933, MONDO:0010894, OMIM 600496. Disease mechanism: loss of function.

Allele frequency attached by ClinVar (database versions not stated): gnomAD exomes below 0.00001.
gnomAD v4.1: 1 of 1,614,154 alleles (0.000062%); highest among the groups gnomAD compares: Non-Finnish European, 0.000085%; no homozygotes.

Submissions (2):

ClinGen Monogenic Diabetes Variant Curation Expert Panel
Classification: Likely pathogenic for Monogenic diabetes. Last evaluated: 2024-06-09. Review status: reviewed by expert panel. Criteria: ClinGen Diabetes ACMG Specifications HNF1A V2.1.0. Collection method: curation. Allele origin: germline. Inheritance: Autosomal dominant inheritance.
Comment: The c.637A>T variant in the HNF1 homeobox A gene, HNF1A, causes an amino acid change of isoleucine to phenylalanine at codon 213 (p.(Ile213Phe)) of NM_000545.8. This variant is located within the DNA binding domain (codons 201-280) of HNF1A, which is defined as critical for the protein’s function by the ClinGen MDEP (PM1_Supporting). This variant is absent from gnomAD v2.1.1 (PM2_Supporting). This variant segregated with diabetes, with three informative meioses in one family with MODY (PP1; internal lab contributors). This variant is predicted to be deleterious by computational evidence, with a REVEL score of 0.87, which is greater than the MDEP threshold of 0.70 (PP3). This variant was identified an an individual with a clinical history highly specific for HNF1A-MODY (MODY probability calculator result >50%, negative genetic testing for HNF4A, and antibody negative) (PP4_Moderate; internal lab contributors). This variant was identified in one family with non-autoimmune and non-absolute/near-absolute insulin-deficient diabetes; however, PS4_Moderate cannot be applied because this number is below the ClinGen MDEP threshold (internal lab contributors, PMID:36257325, PMID:23348805). In summary, c.637A>T meets the criteria to be classified as likely pathogenic for monogenic diabetes. ACMG/AMP criteria applied, as specified by the ClinGen MDEP (specification version 2.1.1, approved 8/11/2023): PP4_Moderate, PP1, PP3, PM1_Supporting, PM2_Supporting.

Variantyx, Inc.
Classification: Likely pathogenic for Maturity-onset diabetes of the young type 3. Last evaluated: 2025-06-18. Review status: criteria provided, single submitter. Criteria: Variantyx Assertion Criteria 2022. Collection method: clinical testing. Allele origin: germline. Inheritance: Autosomal dominant inheritance. Affected: yes. Not counted in ClinVar's aggregate classification.
Comment: This is a nonsynonymous variant in the HNF1A gene (OMIM: 142410). Pathogenic variants in this gene have been associated with autosomal dominant MODY, type III. This variant has been reported in at least 2 affected individuals (PMID: 23348805, 36257325). The alteration lies within a known hotspot for pathogenic variants or a well-established critical functional domain of the HNF1A protein (PMID: 18003757) (PM1_Supporting) and multiple computational algorithms predict a deleterious effect for this variant (REVEL score: 0.87) (PP3). This variant has a 0.0003% maximum allele frequency in non-founder control populations (PM2). Based on the current evidence, this variant is classified as likely pathogenic for autosomal dominant MODY, type III.

Literature cited by the submitters: PubMed 23348805 (cited by Variantyx, Inc.); PubMed 36257325 (cited by Variantyx, Inc.).